The following is an entry in ClinVar:

ClinVar aggregate classification (germline): Conflicting classifications of pathogenicity. Review status: criteria provided, conflicting classifications (1 of 4 stars). 2 submissions from 2 submitters: Uncertain significance (1); Likely benign (1). Last evaluated 2023-12-28.

Allele frequency attached by ClinVar (database versions not stated): TOPMed below 0.00001.
gnomAD v4.1: 1 of 1,598,592 alleles (0.000063%); no homozygotes.

Submissions (2):

Blueprint Genetics
Classification: Uncertain significance. Last evaluated: 2023-12-28. Review status: criteria provided, single submitter. Criteria: ACMG Guidelines, 2015. Collection method: clinical testing. Allele origin: germline.

GeneDx
Classification: Likely benign. Last evaluated: 2023-10-30. Review status: criteria provided, single submitter. Criteria: GeneDx Variant Classification Process June 2021. Collection method: clinical testing. Allele origin: germline.
Comment: See Variant Classification Assertion Criteria.

NM_020971.3(SPTBN4):c.3028G>A (p.Val1010Met)

Gene: SPTBN4 (spectrin beta, non-erythrocytic 4; plus strand). Cytogenetic location: 19q13.2.
Variant type: single nucleotide variant.
Coding change: c.3028G>A on transcript NM_020971.3 (MANE Select); coding-DNA position 3028, G replaced by A.
Protein change: p.Val1010Met; replaces valine 1010 with methionine.
Molecular consequence: missense variant.
Genome position (GRCh38, 1-based): chr19:40,519,525, G>A. VCF-style: chr19-40519525-G-A. GRCh37 (hg19) VCF-style: chr19-41025432-G-A.
Other names: short protein forms V1010M.
Identifiers: ClinVar variation 2502777 (VCV002502777.2), dbSNP rs1040699530, ClinGen allele CA308427298.
Genomic context (GRCh38, chr19:40,519,525, plus strand): 5'-GAGAACCACGTGCTGGAGGTGGCCGAGGTGCGCGCCCAGGTGCGTGAGAAGCGGAGAGCT[G>A]TGGAGAGCGCGCCCCGGGCCGGCGGCGCCCTGCAGTGGCGTCTTAGCGGCCTAGAGGCCG-3'
Protein context (NP_066022.2, residues 1000-1020): RAQVREKRRA[Val1010Met]ESAPRAGGAL